The following is an entry in ClinVar:

NM_024642.5(GALNT12):c.1728C>A (p.Phe576Leu)

Gene: GALNT12 (polypeptide N-acetylgalactosaminyltransferase 12; plus strand). Cytogenetic location: 9q22.33.
Variant type: single nucleotide variant.
Coding change: c.1728C>A on transcript NM_024642.5 (MANE Select); coding-DNA position 1728, C replaced by A.
Protein change: p.Phe576Leu; replaces phenylalanine 576 with leucine.
Molecular consequence: missense variant.
Genome position (GRCh38, 1-based): chr9:98,849,074, C>A. VCF-style: chr9-98849074-C-A. GRCh37 (hg19) VCF-style: chr9-101611356-C-A.
Other names: short protein forms F576L.
Identifiers: ClinVar variation 1778898 (VCV001778898.3), dbSNP rs1836489949, ClinGen allele CA374223370.

ClinVar aggregate classification (germline): Uncertain significance (1 of 4 stars; one submission).

Submission:

Ambry Genetics
Classification: Uncertain significance. Last evaluated: 2025-09-29. Review status: criteria provided, single submitter. Criteria: Ambry Variant Classification Scheme 2023. Collection method: clinical testing. Allele origin: germline.
Comment: The p.F576L variant (also known as c.1728C>A), located in coding exon 10 of the GALNT12 gene, results from a C to A substitution at nucleotide position 1728. The phenylalanine at codon 576 is replaced by leucine, an amino acid with highly similar properties. This amino acid position is conserved. In addition, the in silico prediction for this alteration is inconclusive. Since supporting evidence is limited at this time, the clinical significance of this alteration remains unclear.